The following is an entry in ClinVar:

ClinVar aggregate classification (germline): Benign/Likely benign. Review status: criteria provided, multiple submitters, no conflicts (2 of 4 stars). 12 submissions from 12 submitters: Benign (8); Likely benign (1). 3 of the submissions do not count toward it. Last evaluated 2026-02-04.

Conditions:
Mitochondrial DNA depletion syndrome, encephalomyopathic form with methylmalonic aciduria (MTDPS5). Also called: Mitochondrial encephalomyopathy aminoacidopathy; MITOCHONDRIAL DNA DEPLETION SYNDROME, ENCEPHALOMYOPATHIC FORM, WITH OR WITHOUT METHYLMALONIC ACIDURIA, AUTOSOMAL RECESSIVE, SUCLA2-RELATED; Mitochondrial DNA depletion syndrome 5 (encephalomyopathic with or without methylmalonic aciduria); SUCLA2-Related Mitochondrial DNA Depletion Syndrome, Encephalomyopathic Form with Methylmalonic Aciduria. Identifiers: Orphanet 1933, MedGen C5980207, MONDO:0012791, OMIM 612073.

Allele frequency attached by ClinVar (database versions not stated): 1000 Genomes Project 30x 0.67926; 1000 Genomes Project 0.68351; TOPMed 0.71525; gnomAD 0.72762 and 0.73019; ESP Exome Variant Server 0.74197; gnomAD exomes 0.74785 and 0.79366; ExAC 0.75152.
gnomAD v4.1: 1,268,021 of 1,610,790 alleles (79%); highest among the groups gnomAD compares: Non-Finnish European, 82%; 503,879 homozygotes.

Submissions (12):

Labcorp Genetics (formerly Invitae), Labcorp
Classification: Benign for Mitochondrial DNA depletion syndrome, encephalomyopathic form with methylmalonic aciduria. Last evaluated: 2026-02-04. Review status: criteria provided, single submitter. Criteria: Invitae Variant Classification Sherloc (09022015). Collection method: clinical testing. Allele origin: germline.

Blueprint Genetics
Classification: Likely benign. Last evaluated: 2024-11-27. Review status: criteria provided, single submitter. Criteria: ACMG Guidelines, 2015. Collection method: clinical testing. Allele origin: germline.

Genome-Nilou Lab
Classification: Benign for Mitochondrial DNA depletion syndrome, encephalomyopathic form with methylmalonic aciduria. Last evaluated: 2021-07-15. Review status: criteria provided, single submitter. Criteria: ACMG Guidelines, 2015. Collection method: clinical testing. Allele origin: germline. Affected: no.

Illumina Laboratory Services, Illumina
Classification: Benign for Mitochondrial DNA depletion syndrome, encephalomyopathic form with methylmalonic aciduria. Last evaluated: 2018-01-12. Review status: criteria provided, single submitter. Criteria: ICSL Variant Classification Criteria 13 December 2019. Collection method: clinical testing. Allele origin: germline.
Comment: This variant was observed in the ICSL laboratory as part of a predisposition screen in an ostensibly healthy population. It had not been previously curated by ICSL or reported in the Human Gene Mutation Database (HGMD: prior to June 1st, 2018), and was therefore a candidate for classification through an automated scoring system. Utilizing variant allele frequency, disease prevalence and penetrance estimates, and inheritance mode, an automated score was calculated to assess if this variant is too frequent to cause the disease. Based on the score and internal cut-off values, a variant classified as benign is not then subjected to further curation. The score for this variant resulted in a classification of benign for this disease.

Athena Diagnostics
Classification: Benign. Last evaluated: 2017-04-20. Review status: criteria provided, single submitter. Criteria: Athena Diagnostics Criteria. Collection method: clinical testing. Allele origin: germline.

Eurofins Ntd Llc (ga)
Classification: Benign. Last evaluated: 2015-05-21. Review status: criteria provided, single submitter. Criteria: EGL Classification Definitions 2015. Collection method: clinical testing. Allele origin: germline. Observed: 3 variant alleles, 2 heterozygotes, 1 homozygote.

GeneDx
Classification: Benign. Last evaluated: 2011-06-30. Review status: criteria provided, single submitter. Criteria: GeneDx Variant Classification (06012015). Collection method: clinical testing. Allele origin: germline. Affected: yes.
Comment: This variant is considered likely benign or benign based on one or more of the following criteria: it is a conservative change, it occurs at a poorly conserved position in the protein, it is predicted to be benign by multiple in silico algorithms, and/or has population frequency not consistent with disease.

Breakthrough Genomics
Classification: Benign. Review status: criteria provided, single submitter. Criteria: ACMG Guidelines, 2015. Collection method: not provided. Allele origin: germline. Inheritance: Autosomal recessive inheritance. Affected: yes.

PreventionGenetics, part of Exact Sciences
Classification: Benign. Review status: criteria provided, single submitter. Criteria: ACMG Guidelines, 2015. Collection method: clinical testing. Allele origin: germline.

Mayo Clinic Laboratories, Mayo Clinic
Classification: Benign. Last evaluated: 2016-02-19. Review status: no assertion criteria provided. Collection method: clinical testing. Allele origin: unknown. Not counted in ClinVar's aggregate classification.

Diagnostic Laboratory, Department of Genetics, University Medical Center Groningen
Classification: Benign. Review status: no assertion criteria provided. Collection method: clinical testing. Allele origin: germline. Affected: yes. Study: VKGL Data-share Consensus. Not counted in ClinVar's aggregate classification.

Joint Genome Diagnostic Labs from Nijmegen and Maastricht, Radboudumc and MUMC+
Classification: Benign. Review status: no assertion criteria provided. Collection method: clinical testing. Allele origin: germline. Affected: yes. Study: VKGL Data-share Consensus. Not counted in ClinVar's aggregate classification.

NM_003850.3(SUCLA2):c.371+9C>T

Gene: SUCLA2 (succinate-CoA ligase ADP-forming subunit beta; minus strand). Cytogenetic location: 13q14.2.
Variant type: single nucleotide variant.
Coding change: c.371+9C>T on transcript NM_003850.3 (MANE Select); 9 bases into the intron after coding-DNA position 371, C replaced by T.
Molecular consequence: intron variant.
Genome position (GRCh38, 1-based): chr13:47,988,873, G>A on the plus strand (C>T on the coding strand, the complement: SUCLA2 is on the minus strand). VCF-style: chr13-47988873-G-A. GRCh37 (hg19) VCF-style: chr13-48563008-G-A.
Identifiers: ClinVar variation 139358 (VCV000139358.31), dbSNP rs6561424, ClinGen allele CA302933.